The following is an entry in ClinVar:

NM_002470.4(MYH3):c.3949A>G (p.Lys1317Glu)

Gene: MYH3 (myosin heavy chain 3; minus strand). Cytogenetic location: 17p13.1.
Variant type: single nucleotide variant.
Coding change: c.3949A>G on transcript NM_002470.4 (MANE Select); coding-DNA position 3949, A replaced by G.
Protein change: p.Lys1317Glu; replaces lysine 1317 with glutamic acid.
Molecular consequence: missense variant.
Genome position (GRCh38, 1-based): chr17:10,635,761, T>C on the plus strand (A>G on the coding strand, the complement: MYH3 is on the minus strand). VCF-style: chr17-10635761-T-C. GRCh37 (hg19) VCF-style: chr17-10539078-T-C.
Other names: short protein forms K1317E.
Identifiers: ClinVar variation 2791397 (VCV002791397.3), dbSNP rs2508584229, ClinGen allele CA398147048.

ClinVar aggregate classification (germline): Uncertain significance (1 of 4 stars; one submission).

Submission:

Labcorp Genetics (formerly Invitae), Labcorp
Classification: Uncertain significance. Last evaluated: 2023-02-04. Review status: criteria provided, single submitter. Criteria: Invitae Variant Classification Sherloc (09022015). Collection method: clinical testing. Allele origin: germline.
Comment: In summary, the available evidence is currently insufficient to determine the role of this variant in disease. Therefore, it has been classified as a Variant of Uncertain Significance. Advanced modeling of protein sequence and biophysical properties (such as structural, functional, and spatial information, amino acid conservation, physicochemical variation, residue mobility, and thermodynamic stability) performed at Invitae indicates that this missense variant is not expected to disrupt MYH3 protein function. This variant has not been reported in the literature in individuals affected with MYH3-related conditions. This variant is not present in population databases (gnomAD no frequency). This sequence change replaces lysine, which is basic and polar, with glutamic acid, which is acidic and polar, at codon 1317 of the MYH3 protein (p.Lys1317Glu).